The following is an entry in ClinVar:

ClinVar aggregate classification (germline): Uncertain significance (1 of 4 stars; one submission).

gnomAD v4.1: 1 of 1,614,078 alleles (0.000062%); highest among the groups gnomAD compares: Admixed American, 0.0017%; no homozygotes.

Submission:

Labcorp Genetics (formerly Invitae), Labcorp
Classification: Uncertain significance. Last evaluated: 2024-03-21. Review status: criteria provided, single submitter. Criteria: Invitae Variant Classification Sherloc (09022015). Collection method: clinical testing. Allele origin: germline.
Comment: This sequence change replaces glutamic acid, which is acidic and polar, with glycine, which is neutral and non-polar, at codon 108 of the IMPG1 protein (p.Glu108Gly). This variant is present in population databases (no rsID available, gnomAD 0.003%). This variant has not been reported in the literature in individuals affected with IMPG1-related conditions. An algorithm developed to predict the effect of missense changes on protein structure and function (PolyPhen-2) suggests that this variant is likely to be disruptive. In summary, the available evidence is currently insufficient to determine the role of this variant in disease. Therefore, it has been classified as a Variant of Uncertain Significance.

NM_001563.4(IMPG1):c.323A>G (p.Glu108Gly)

Gene: IMPG1 (interphotoreceptor matrix proteoglycan 1; minus strand). Cytogenetic location: 6q14.1.
Variant type: single nucleotide variant.
Coding change: c.323A>G on transcript NM_001563.4 (MANE Select); coding-DNA position 323, A replaced by G.
Protein change: p.Glu108Gly; replaces glutamic acid 108 with glycine.
Molecular consequence: missense variant.
Genome position (GRCh38, 1-based): chr6:76,034,766, T>C on the plus strand (A>G on the coding strand, the complement: IMPG1 is on the minus strand). VCF-style: chr6-76034766-T-C. GRCh37 (hg19) VCF-style: chr6-76744483-T-C.
Other names: c.89A>G, p.Glu30Gly (NM_001282368.2); short protein forms E30G, E108G.
Identifiers: ClinVar variation 3647245 (VCV003647245.2).